The following is an entry in ClinVar:

NM_000293.3(PHKB):c.594+4T>G

Gene: PHKB (phosphorylase kinase regulatory subunit beta; plus strand). Cytogenetic location: 16q12.1.
Variant type: single nucleotide variant.
Coding change: c.594+4T>G on transcript NM_000293.3 (MANE Select); 4 bases into the intron after coding-DNA position 594, T replaced by G.
Molecular consequence: intron variant.
Genome position (GRCh38, 1-based): chr16:47,515,605, T>G. VCF-style: chr16-47515605-T-G. GRCh37 (hg19) VCF-style: chr16-47549516-T-G.
Other names: c.594+4T>G (NM_001363837.1); c.573+4T>G (NM_001031835.3).
Identifiers: ClinVar variation 2165776 (VCV002165776.1), dbSNP rs527478463, ClinGen allele CA8040534.

ClinVar aggregate classification (germline): Uncertain significance (1 of 4 stars; one submission).

Conditions:
Glycogen storage disease IXb (GSD9B). Also called: PHOSPHORYLASE KINASE DEFICIENCY OF LIVER AND MUSCLE, AUTOSOMAL RECESSIVE; GLYCOGENOSIS OF LIVER AND MUSCLE, AUTOSOMAL RECESSIVE; GSD IXb. Identifiers: Orphanet 79240, MedGen C0543514, MONDO:0009868, OMIM 261750.

Allele frequency attached by ClinVar (database versions not stated): TOPMed below 0.00001.
gnomAD v4.1: 18 of 1,252,938 alleles (0.0014%); highest among the groups gnomAD compares: Non-Finnish European, 0.0019%; no homozygotes.

Submission:

Labcorp Genetics (formerly Invitae), Labcorp
Classification: Uncertain significance for Glycogen storage disease IXb. Last evaluated: 2022-01-18. Review status: criteria provided, single submitter. Criteria: Invitae Variant Classification Sherloc (09022015). Collection method: clinical testing. Allele origin: germline.
Comment: This sequence change falls in intron 6 of the PHKB gene. It does not directly change the encoded amino acid sequence of the PHKB protein. It affects a nucleotide within the consensus splice site. This variant is present in population databases (rs527478463, gnomAD 0.0009%). This variant has not been reported in the literature in individuals affected with PHKB-related conditions. Variants that disrupt the consensus splice site are a relatively common cause of aberrant splicing (PMID: 17576681, 9536098). Algorithms developed to predict the effect of sequence changes on RNA splicing suggest that this variant is not likely to affect RNA splicing. In summary, the available evidence is currently insufficient to determine the role of this variant in disease. Therefore, it has been classified as a Variant of Uncertain Significance.

Literature cited by the submitters: PubMed 17576681; PubMed 9536098.